The following is an entry in ClinVar:

NM_022114.4(PRDM16):c.2035G>C (p.Asp679His)

Gene: PRDM16 (PR/SET domain 16; plus strand). Cytogenetic location: 1p36.32.
Variant type: single nucleotide variant.
Coding change: c.2035G>C on transcript NM_022114.4 (MANE Select); coding-DNA position 2035, G replaced by C.
Protein change: p.Asp679His; replaces aspartic acid 679 with histidine.
Molecular consequence: missense variant.
Genome position (GRCh38, 1-based): chr1:3,412,232, G>C. VCF-style: chr1-3412232-G-C. GRCh37 (hg19) VCF-style: chr1-3328796-G-C.
Other names: c.2035G>C, p.Asp679His (NM_199454.3); short protein forms D679H.
Identifiers: ClinVar variation 1306288 (VCV001306288.2), dbSNP rs772689095, ClinGen allele CA544365.

ClinVar aggregate classification (germline): Uncertain significance (1 of 4 stars; one submission).

gnomAD v4.1: 2 of 1,608,628 alleles (0.00012%); highest among the groups gnomAD compares: Admixed American, 0.0017%; no homozygotes.

Submission:

GeneDx
Classification: Uncertain significance. Last evaluated: 2019-06-11. Review status: criteria provided, single submitter. Criteria: GeneDx Variant Classification Process June 2021. Collection method: clinical testing. Allele origin: germline. Affected: yes.
Comment: Has not been previously published as pathogenic or benign to our knowledge; Not observed at a significant frequency in large population cohorts (Lek et al., 2016); In silico analysis, which includes protein predictors and evolutionary conservation, supports that this variant does not alter protein structure/function